The following is an entry in ClinVar:

NM_000049.4(ASPA):c.69del (p.Asn23fs)

Genes: ASPA (aspartoacylase; plus strand), SPATA22 (spermatogenesis associated 22; minus strand). Cytogenetic location: 17p13.2.
Variant type: Deletion.
Coding change: c.69del on transcript NM_000049.4 (MANE Select); coding-DNA position 69, one base deleted (T; older notation c.69delT).
Protein change: p.Asn23fs; shifts the reading frame from asparagine 23.
Molecular consequence: frameshift variant. On other transcripts: intron variant (2).
Genome position (GRCh38, 1-based): chr17:3,476,228, T deleted. VCF-style (leftmost placement, unchanged base first): chr17-3476227-AT-A. GRCh37 (hg19) VCF-style: chr17-3379521-AT-A.
Other names: c.69del, p.Asn23fs (NM_001128085.1); c.-73-6830del (NM_001321336.2, NM_001321337.2); short protein forms N23fs.
Identifiers: ClinVar variation 4818488 (VCV004818488.1).

ClinVar aggregate classification (germline): Likely pathogenic (1 of 4 stars; one submission).

Conditions:
Spongy degeneration of central nervous system. Also called: ACY2 DEFICIENCY; AMINOACYLASE 2 DEFICIENCY; ASP DEFICIENCY; ASPA DEFICIENCY; ASPARTOACYLASE DEFICIENCY; CANAVAN-VAN BOGAERT-BERTRAND DISEASE. Identifiers: Orphanet 141, MedGen C0206307, MONDO:0010079, OMIM 271900.

Submission:

Natera, Inc.
Classification: Likely pathogenic for Canavan Disease. Last evaluated: 2025-07-31. Review status: criteria provided, single submitter. Criteria: Natera Variant Classification Schema (03/2026). Collection method: clinical testing. Allele origin: germline.
Comment: The c.69delT variant in ASPA is a frameshift variant predicted to shift the reading frame beginning at codon 23 and leads to a stop codon 3 codons downstream. This variant is expected to result in nonsense mediated decay, truncation, or a dysfunctional protein product. This variant is rare in the general population with a frequency below the threshold expected for the associated phenotype(s). Given the available evidence, this variant is classified as Likely Pathogenic.